The following is an entry in ClinVar:

ClinVar aggregate classification (germline): Uncertain significance. Review status: criteria provided, single submitter (1 of 4 stars). 2 submissions from 2 submitters: Uncertain significance (1). 1 of the submissions does not count toward it. Last evaluated 2024-10-10.

Conditions:
DSPP-related disorder. Also called: DSPP-related condition.

Allele frequency attached by ClinVar (database versions not stated): gnomAD exomes below 0.00001.
gnomAD v4.1: 1 of 1,613,764 alleles (0.000062%); highest among the groups gnomAD compares: Non-Finnish European, 0.000085%; no homozygotes.

Submissions (2):

Labcorp Genetics (formerly Invitae), Labcorp
Classification: Uncertain significance. Last evaluated: 2024-10-10. Review status: criteria provided, single submitter. Criteria: Invitae Variant Classification Sherloc (09022015). Collection method: clinical testing. Allele origin: germline.
Comment: This sequence change affects codon 24 of the DSPP mRNA. It is a 'silent' change, meaning that it does not change the encoded amino acid sequence of the DSPP protein. This variant is not present in population databases (gnomAD no frequency). This variant has not been reported in the literature in individuals affected with DSPP-related conditions. Algorithms developed to predict the effect of sequence changes on RNA splicing suggest that this variant may disrupt the consensus splice site. In summary, the available evidence is currently insufficient to determine the role of this variant in disease. Therefore, it has been classified as a Variant of Uncertain Significance.

PreventionGenetics, part of Exact Sciences
Classification: Likely benign for DSPP-related condition. Last evaluated: 2023-04-16. Review status: no assertion criteria provided. Collection method: clinical testing. Allele origin: germline. Not counted in ClinVar's aggregate classification.
Comment: This variant is classified as likely benign based on ACMG/AMP sequence variant interpretation guidelines (Richards et al. 2015 PMID: 25741868, with internal and published modifications).

NM_014208.3(DSPP):c.72G>A (p.Leu24=)

Genes: DMP1-AS1 (DMP1 and DSPP antisense RNA 1; minus strand), DSPP (dentin sialophosphoprotein; plus strand). Cytogenetic location: 4q22.1.
Variant type: single nucleotide variant.
Coding change: c.72G>A on transcript NM_014208.3 (MANE Select); coding-DNA position 72, G replaced by A.
Protein change: p.Leu24=; no amino-acid change (leucine 24 retained).
Molecular consequence: synonymous variant.
Genome position (GRCh38, 1-based): chr4:87,612,125, G>A. VCF-style: chr4-87612125-G-A. GRCh37 (hg19) VCF-style: chr4-88533277-G-A.
Identifiers: ClinVar variation 3031766 (VCV003031766.4), dbSNP rs2475880356, ClinGen allele CA440293921.